The following is an entry in ClinVar:

NM_139058.3(ARX):c.179C>T (p.Pro60Leu)

Gene: ARX (aristaless related homeobox; minus strand). Cytogenetic location: Xp21.3.
Variant type: single nucleotide variant.
Coding change: c.179C>T on transcript NM_139058.3 (MANE Select); coding-DNA position 179, C replaced by T.
Protein change: p.Pro60Leu; replaces proline 60 with leucine.
Molecular consequence: missense variant.
Genome position (GRCh38, 1-based): chrX:25,015,559, G>A on the plus strand (C>T on the coding strand, the complement: ARX is on the minus strand). VCF-style: chrX-25015559-G-A. GRCh37 (hg19) VCF-style: chrX-25033676-G-A.
Other names: short protein forms P60L.
Identifiers: ClinVar variation 950474 (VCV000950474.10), dbSNP rs1335616654, ClinGen allele CA412613727.

ClinVar aggregate classification (germline): Uncertain significance (1 of 4 stars; one submission).

Conditions:
Developmental and epileptic encephalopathy, 1 (DEE1). Also called: INFANTILE SPASM SYNDROME, X-LINKED 1; Epileptic encephalopathy, early infantile, 1; X-linked infantile spasms; West's syndrome; Tonic spasms with clustering, arrest of psychomotor development and hypsarrhythmia on EEG; X-Linked Infantile Spasm Syndrome. Identifiers: MedGen C3463992, MONDO:0010632, OMIM 308350. Disease mechanism: loss of function.
Intellectual disability, X-linked, with or without seizures, ARX-related. Also called: INTELLECTUAL DEVELOPMENTAL DISORDER, X-LINKED 29; MENTAL RETARDATION, X-LINKED 29; MENTAL RETARDATION, X-LINKED 32; MENTAL RETARDATION, X-LINKED 33; MENTAL RETARDATION, X-LINKED 38; MENTAL RETARDATION, X-LINKED 43. Identifiers: Orphanet 777, MedGen C0796244, MONDO:0010317, OMIM 300419.

Submission:

Labcorp Genetics (formerly Invitae), Labcorp
Classification: Uncertain significance for Developmental and epileptic encephalopathy, 1; Intellectual disability, X-linked, with or without seizures, ARX-related. Last evaluated: 2024-04-05. Review status: criteria provided, single submitter. Criteria: Invitae Variant Classification Sherloc (09022015). Collection method: clinical testing. Allele origin: germline.
Comment: This sequence change replaces proline, which is neutral and non-polar, with leucine, which is neutral and non-polar, at codon 60 of the ARX protein (p.Pro60Leu). This variant is not present in population databases (gnomAD no frequency). This variant has not been reported in the literature in individuals affected with ARX-related conditions. ClinVar contains an entry for this variant (Variation ID: 950474). Advanced modeling of protein sequence and biophysical properties (such as structural, functional, and spatial information, amino acid conservation, physicochemical variation, residue mobility, and thermodynamic stability) performed at Invitae indicates that this missense variant is not expected to disrupt ARX protein function with a negative predictive value of 95%. In summary, the available evidence is currently insufficient to determine the role of this variant in disease. Therefore, it has been classified as a Variant of Uncertain Significance.